The following is an entry in ClinVar:

NC_000007.14:g.(?_2538049)_(2539371_?)del

Gene: BRAT1 (BRCA1 associated ATM activator 1; minus strand). Cytogenetic location: 7p22.3.
Variant type: Deletion.
Identifiers: ClinVar variation 833357 (VCV000833357.7).

ClinVar aggregate classification (germline): Pathogenic (1 of 4 stars; one submission).

Conditions:
Neonatal-onset encephalopathy with rigidity and seizures. Also called: Lethal neonatal spasticity-epileptic encephalopathy syndrome. Identifiers: Orphanet 435845, MedGen C3281029, MONDO:0013784, OMIM 614498.

Submission:

Labcorp Genetics (formerly Invitae), Labcorp
Classification: Pathogenic for Neonatal-onset encephalopathy with rigidity and seizures. Last evaluated: 2019-09-27. Review status: criteria provided, single submitter. Criteria: Invitae Variant Classification Sherloc (09022015). Collection method: clinical testing. Allele origin: germline.
Comment: For these reasons, this variant has been classified as Pathogenic. This variant disrupts the C-terminus of the BRAT1 protein. Other variant(s) that disrupt this region (p.Phe709Thrfs*17) have been determined to be pathogenic (PMID: 27480663, Invitae). This suggests that variants that disrupt this region of the protein are likely to be causative of disease. This variant has not been reported in the literature in individuals with BRAT1-related conditions. This variant is a gross deletion of the genomic region encompassing exons 13-14 of the BRAT1 gene. The 5' boundary is likely confined to intron 12. The 3' end of this event is unknown as it extends through the termination codon beyond the assayed region for this gene and may encompass additional genes. While this deletion is not anticipated to result in nonsense mediated decay, it is expected to create a truncated protein product or disrupt mRNA translation.

Literature cited by the submitters: PubMed 27480663.